The following is an entry in ClinVar:

ClinVar aggregate classification (germline): Likely benign. Review status: criteria provided, multiple submitters, no conflicts (2 of 4 stars). 3 submissions from 3 submitters: Likely benign (2). 1 of the submissions does not count toward it. Last evaluated 2024-10-21.

Conditions:
EXTL3-related disorder. Also called: EXTL3-related condition.

Allele frequency attached by ClinVar (database versions not stated): gnomAD 0.00001; TOPMed 0.00002; ExAC 0.00006; gnomAD exomes 0.00007.
gnomAD v4.1: 27 of 1,613,878 alleles (0.0017%); highest among the groups gnomAD compares: Admixed American, 0.015%; no homozygotes.

Submissions (3):

Labcorp Genetics (formerly Invitae), Labcorp
Classification: Likely benign. Last evaluated: 2024-10-21. Review status: criteria provided, single submitter. Criteria: Invitae Variant Classification Sherloc (09022015). Collection method: clinical testing. Allele origin: germline.

Blueprint Genetics
Classification: Likely benign. Last evaluated: 2024-09-27. Review status: criteria provided, single submitter. Criteria: ACMG Guidelines, 2015. Collection method: clinical testing. Allele origin: germline.

PreventionGenetics, part of Exact Sciences
Classification: Likely benign for EXTL3-related condition. Last evaluated: 2019-04-29. Review status: no assertion criteria provided. Collection method: clinical testing. Allele origin: germline. Not counted in ClinVar's aggregate classification.
Comment: This variant is classified as likely benign based on ACMG/AMP sequence variant interpretation guidelines (Richards et al. 2015 PMID: 25741868, with internal and published modifications).

NM_001440.4(EXTL3):c.1959G>A (p.Ala653=)

Gene: EXTL3 (exostosin like glycosyltransferase 3; plus strand). Cytogenetic location: 8p21.1.
Variant type: single nucleotide variant.
Coding change: c.1959G>A on transcript NM_001440.4 (MANE Select); coding-DNA position 1959, G replaced by A.
Protein change: p.Ala653=; no amino-acid change (alanine 653 retained).
Molecular consequence: synonymous variant.
Genome position (GRCh38, 1-based): chr8:28,718,018, G>A. VCF-style: chr8-28718018-G-A. GRCh37 (hg19) VCF-style: chr8-28575535-G-A.
Other names: c.1959G>A (NM_001440.3).
Identifiers: ClinVar variation 1533703 (VCV001533703.11), dbSNP rs775682299, ClinGen allele CA4696316.
Genomic context (GRCh38, chr8:28,718,018, plus strand): 5'-GACTGGCTTTCGGCCTATTGGTGGTGGAGCTGGGGGTTCTGGCAAGGAATTTCAGGCAGC[G>A]CTTGGAGGCAATGTTCCCCGAGAGCAGTTCACGGTGGTGATGTTGACTTATGAGCGGGAG-3'
Protein context (NP_001431.1, residues 643-663): AGGSGKEFQA[Ala653=]LGGNVPREQF